The following is an entry in ClinVar:

NM_000535.7(PMS2):c.943C>T (p.Arg315Ter)

Gene: PMS2 (PMS1 homolog 2, mismatch repair system component; minus strand). Cytogenetic location: 7p22.1.
Variant type: single nucleotide variant.
Coding change: c.943C>T on transcript NM_000535.7 (MANE Select); coding-DNA position 943, C replaced by T.
Protein change: p.Arg315Ter; replaces arginine 315 with a stop codon.
Molecular consequence: nonsense. On other transcripts: non-coding transcript variant (1).
Genome position (GRCh38, 1-based): chr7:5,992,018, G>A on the plus strand (C>T on the coding strand, the complement: PMS2 is on the minus strand). VCF-style: chr7-5992018-G-A. GRCh37 (hg19) VCF-style: chr7-6031649-G-A.
Other names: p.R315*:CGA>TGA; c.538C>T, p.Arg180Ter (NM_001322003.2, NM_001322004.2, NM_001322005.2 and 2 more transcripts); c.943C>T, p.Arg315Ter (NM_001322006.2, NM_001322014.2); c.625C>T, p.Arg209Ter (NM_001322007.2, NM_001322008.2); c.10C>T, p.Arg4Ter (NM_001322011.2, NM_001322012.2); c.370C>T, p.Arg124Ter (NM_001322013.2); c.634C>T, p.Arg212Ter (NM_001322015.2); short protein forms R315*, R209*, R180*, R212*, R124*, R4*.
Identifiers: ClinVar variation 91382 (VCV000091382.88), dbSNP rs200640585, ClinGen allele CA013335.

ClinVar aggregate classification (germline): Pathogenic. Review status: reviewed by expert panel (3 of 4 stars). 23 submissions from 22 submitters: Pathogenic (1). 22 of the submissions do not count toward it. Last evaluated 2013-09-05.

Conditions:
PMS2-related disorder. Also called: PMS2-related condition.
Lynch syndrome 4 (LYNCH4). Also called: Colorectal cancer, hereditary nonpolyposis, type 4; Hereditary non-polyposis colorectal cancer, type 4. Identifiers: Orphanet 144, MedGen C1838333, MONDO:0013699, OMIM 614337. Disease mechanism: loss of function.
Mismatch repair cancer syndrome 4. Identifiers: MedGen C5436817, MONDO:0030843, OMIM 619101.
Hereditary nonpolyposis colorectal neoplasms. Identifiers: MedGen C0009405, MeSH D003123.
Gastric cancer. Also called: Malignant tumor of stomach; Stomach cancer. Identifiers: MedGen C0024623, MeSH D013274, MONDO:0001056, OMIM 613659, HP:0012126.
Colorectal cancer, non-polyposis.
Hereditary cancer-predisposing syndrome. Also called: Hereditary Cancer Syndrome; Tumor predisposition; Neoplastic Syndromes, Hereditary; Hereditary neoplastic syndrome. Identifiers: Orphanet 140162, MedGen C0027672, MeSH D009386, MONDO:0015356.
Mismatch repair cancer syndrome 1 (MMRCS1). Also called: BRAIN TUMOR-POLYPOSIS SYNDROME 1; BTP1 SYNDROME; CHILDHOOD CANCER SYNDROME; MISMATCH REPAIR DEFICIENCY; MMR DEFICIENCY. Identifiers: Orphanet 252202, MedGen C5399763, MONDO:0010159, OMIM 276300. Disease mechanism: loss of function.
Lynch syndrome. Identifiers: Orphanet 144, MedGen C4552100, MONDO:0005835. Disease mechanism: loss of function.
Malignant tumor of breast. Also called: Malignant breast neoplasm; Cancer breast. Identifiers: MedGen C0006142, MONDO:0007254. Disease mechanism: loss of function.

Allele frequency attached by ClinVar (database versions not stated): gnomAD 0.00001; gnomAD exomes 0.00001 and 0.00002; TOPMed 0.00001; ExAC 0.00002; ESP Exome Variant Server 0.00008.
gnomAD v4.1: 22 of 1,601,828 alleles (0.0014%); highest among the groups gnomAD compares: East Asian, 0.0045%; no homozygotes.

Submissions 1 to 11 of 23:

International Society for Gastrointestinal Hereditary Tumours (InSiGHT)
Classification: Pathogenic for Lynch Syndrome. Last evaluated: 2013-09-05. Review status: reviewed by expert panel. Criteria: Guidelines v1.9. Collection method: research. Allele origin: germline.
Comment: Coding sequence variation resulting in a stop codon

Classified with v1.9 guidelines

Labcorp Genetics (formerly Invitae), Labcorp
Classification: Pathogenic for Hereditary nonpolyposis colorectal neoplasms. Last evaluated: 2026-01-19. Review status: criteria provided, single submitter. Criteria: Invitae Variant Classification Sherloc (09022015). Collection method: clinical testing. Allele origin: germline. Not counted in ClinVar's aggregate classification.
Comment: This sequence change creates a premature translational stop signal (p.Arg315*) in the PMS2 gene. It is expected to result in an absent or disrupted protein product. Loss-of-function variants in PMS2 are known to be pathogenic (PMID: 21376568, 24362816). This variant is present in population databases (rs200640585, gnomAD 0.01%). This premature translational stop signal has been observed in individual(s) with Lynch syndrome and colon cancer (PMID: 20205264, 22918162, 23709753, 25856668, 27589204). Invitae Evidence Modeling of clinical and family history, age, sex, and reported ancestry of multiple individuals with this PMS2 variant has been performed. This variant is expected to be pathogenic with a positive predictive value of at least 99%. This is a validated machine learning model that incorporates the clinical features of 1,627,235 individuals referred to our laboratory for PMS2 testing. ClinVar contains an entry for this variant (Variation ID: 91382). For these reasons, this variant has been classified as Pathogenic.

Institute of Human Genetics, University of Leipzig Medical Center
Classification: Pathogenic for Lynch syndrome 4. Last evaluated: 2025-07-02. Review status: criteria provided, single submitter. Criteria: ACMG Guidelines, 2015. Collection method: clinical testing. Allele origin: unknown. Inheritance: Autosomal dominant inheritance. Affected: yes. Not counted in ClinVar's aggregate classification.
Comment: Criteria applied: PVS1,PP4_SUP,PM2_SUP

Color Diagnostics, LLC DBA Color Health
Classification: Pathogenic for Hereditary cancer-predisposing syndrome. Last evaluated: 2025-03-10. Review status: criteria provided, single submitter. Criteria: ACMG Guidelines, 2015. Collection method: clinical testing. Allele origin: germline. Not counted in ClinVar's aggregate classification.
Comment: This variant changes 1 nucleotide in exon 9 of the PMS2 gene, creating a premature translation stop signal. This variant is expected to result in an absent or non-functional protein product. This variant has been reported in individuals affected with Lynch syndrome associated cancers with tumors showing loss of PMS2 expression and/or microsatellite instability (PMID: 20205264, 22918162, 23709753, 25856668, 27589204, 30376427, 30521064, 31056861, 31992580, 34285288). This variant has been identified in 5/282632 chromosomes in the general population by the Genome Aggregation Database (gnomAD). Loss of PMS2 function is a known mechanism of disease. Based on the available evidence, this variant is classified as Pathogenic.

Ambry Genetics
Classification: Pathogenic for Hereditary cancer-predisposing syndrome. Last evaluated: 2025-02-08. Review status: criteria provided, single submitter. Criteria: Ambry Variant Classification Scheme 2023. Collection method: clinical testing. Allele origin: germline. Not counted in ClinVar's aggregate classification.
Comment: The p.R315* pathogenic mutation (also known as c.943C>T), located in coding exon 9 of the PMS2 gene, results from a C to T substitution at nucleotide position 943. This changes the amino acid from an arginine to a stop codon within coding exon 9. This mutation has been reported in multiple individuals with hereditary non-polyposis colorectal cancer (HNPCC)/Lynch syndrome; several whose tumors demonstrated high microsatellite instability and/or absent PMS2 by immunohistochemistry (IHC) (Vaughn CP et al. Hum Mutat, 2010 May;31:588-93; Shia J et al. Mod. Pathol., 2013 Jan;26:131-8; Borr&agrave;s E et al. J Med Genet, 2013 Aug;50:552-63; Goldberg Y et al. Clin Genet, 2015 Jun;87:549-53; Sugano K et al. Cancer Sci, 2016 Nov;107:1677-1686; Goodenberger ML et al. Genet Med, 2016 Jan;18:13-9; Jiang W et al. Int J Cancer, 2019 05;144:2161-2168; Guo X et al. Mol Genet Genomic Med, 2019 06;7:e721; Maynard H et al. Cancer, 2020 01;126:1995-2002; Wang Q et al. J Med Genet, 2020 07;57:487-499; Choi YY et al. Sci Rep, 2021 07;11:14807). Pathogenicity of this mutation has been supported by a functional assay showing reduced mismatch repair activity in vitro and lack of full length PMS2 protein expression (Hinrichsen I et al. Carcinogenesis. 2015 Feb;36:202-11). In addition to the clinical data presented in the literature, this alteration is expected to result in loss of function by premature protein truncation or nonsense-mediated mRNA decay. As such, this alteration is interpreted as a disease-causing mutation.

All of Us Research Program, National Institutes of Health
Classification: Pathogenic for Lynch syndrome. Last evaluated: 2024-09-24. Review status: criteria provided, single submitter. Criteria: ACMG Guidelines, 2015. Collection method: clinical testing. Allele origin: germline. Inheritance: Autosomal dominant inheritance. Observed: 9 variant alleles, 9 heterozygotes. Not counted in ClinVar's aggregate classification.
Comment: This variant changes 1 nucleotide in exon 9 of the PMS2 gene, creating a premature translation stop signal. This variant is expected to result in an absent or non-functional protein product. This variant has been reported in individuals affected with Lynch syndrome (PMID: 30376427) and colorectal cancer with tumors showing loss of PMS2 expression and/or microsatellite instability (PMID: 20205264, 22918162, 23709753, 25856668, 27589204). This variant has also been reported in an individual affected with breast cancer (PMID: 28724667). This variant has been identified in 5/282632 chromosomes in the general population by the Genome Aggregation Database (gnomAD). Loss of PMS2 function is a known mechanism of disease. Based on the available evidence, this variant is classified as Pathogenic.

This study involves interpretation of variants in research participants for the purpose of population health screening. Participant phenotype was not available at the time of variant classification. Additional details can be found in publication PMID: 35346344, PMCID: PMC8962531

Blueprint Genetics
Classification: Pathogenic for PMS2-related disorders. Last evaluated: 2024-07-17. Review status: criteria provided, single submitter. Criteria: ACMG Guidelines, 2015. Collection method: clinical testing. Allele origin: germline. Affected: yes. Observed: 4 variant alleles. Not counted in ClinVar's aggregate classification.

CeGaT Center for Human Genetics Tuebingen
Classification: Pathogenic. Last evaluated: 2024-07-01. Review status: criteria provided, single submitter. Criteria: CeGaT Center For Human Genetics Tuebingen Variant Classification Criteria Version 2. Collection method: clinical testing. Allele origin: germline. Affected: yes. Observed: 2 variant alleles. Not counted in ClinVar's aggregate classification.
Comment: PMS2: PVS1, PM2, PS4:Moderate

Fulgent Genetics
Classification: Pathogenic for Lynch syndrome 4; Mismatch repair cancer syndrome 4. Last evaluated: 2024-02-21. Review status: criteria provided, single submitter. Criteria: ACMG Guidelines, 2015. Collection method: clinical testing. Allele origin: germline. Not counted in ClinVar's aggregate classification.

Baylor Genetics
Classification: Pathogenic for Lynch syndrome 4. Last evaluated: 2023-10-03. Review status: criteria provided, single submitter. Criteria: ACMG Guidelines, 2015. Collection method: clinical testing. Allele origin: unknown. Not counted in ClinVar's aggregate classification.

Myriad Genetics, Inc.
Classification: Pathogenic for Lynch syndrome 4. Last evaluated: 2023-04-05. Review status: criteria provided, single submitter. Criteria: Myriad Autosomal Dominant, Autosomal Recessive and X-Linked Classification Criteria (2023). Collection method: clinical testing. Allele origin: unknown. Not counted in ClinVar's aggregate classification.
Comment: This variant is considered pathogenic. This variant creates a termination codon and is predicted to result in premature protein truncation.